The following is an entry in ClinVar:

ClinVar aggregate classification (germline): Uncertain significance (1 of 4 stars; one submission).

Conditions:
Hypertrophic cardiomyopathy. Also called: HYPERTROPHIC MYOCARDIOPATHY. Identifiers: Orphanet 217569, MedGen C0007194, MeSH D002312, MONDO:0005045, HP:0001639.

Submission:

Labcorp Genetics (formerly Invitae), Labcorp
Classification: Uncertain significance for Hypertrophic cardiomyopathy. Last evaluated: 2023-12-04. Review status: criteria provided, single submitter. Criteria: Invitae Variant Classification Sherloc (09022015). Collection method: clinical testing. Allele origin: germline.
Comment: This sequence change replaces glycine, which is neutral and non-polar, with arginine, which is basic and polar, at codon 675 of the MYBPC3 protein (p.Gly675Arg). This variant is not present in population databases (gnomAD no frequency). This variant has not been reported in the literature in individuals affected with MYBPC3-related conditions. An algorithm developed to predict the effect of missense changes on protein structure and function (PolyPhen-2) suggests that this variant is likely to be disruptive. In summary, the available evidence is currently insufficient to determine the role of this variant in disease. Therefore, it has been classified as a Variant of Uncertain Significance.

NM_000256.3(MYBPC3):c.2023G>A (p.Gly675Arg)

Gene: MYBPC3 (myosin binding protein C3; minus strand). Cytogenetic location: 11p11.2.
Variant type: single nucleotide variant.
Coding change: c.2023G>A on transcript NM_000256.3 (MANE Select); coding-DNA position 2023, G replaced by A.
Protein change: p.Gly675Arg; replaces glycine 675 with arginine.
Molecular consequence: missense variant.
Genome position (GRCh38, 1-based): chr11:47,339,695, C>T on the plus strand (G>A on the coding strand, the complement: MYBPC3 is on the minus strand). VCF-style: chr11-47339695-C-T. GRCh37 (hg19) VCF-style: chr11-47361246-C-T.
Other names: short protein forms G675R.
Identifiers: ClinVar variation 2700758 (VCV002700758.3), dbSNP rs2495756130, ClinGen allele CA380321540.